The following is an entry in ClinVar:

NM_000038.6(APC):c.3841T>C (p.Ser1281Pro)

Gene: APC (APC regulator of Wnt signaling pathway; plus strand). Cytogenetic location: 5q22.2.
Variant type: single nucleotide variant.
Coding change: c.3841T>C on transcript NM_000038.6 (MANE Select); coding-DNA position 3841, T replaced by C.
Protein change: p.Ser1281Pro; replaces serine 1281 with proline.
Molecular consequence: missense variant. On other transcripts: non-coding transcript variant (2).
Genome position (GRCh38, 1-based): chr5:112,839,435, T>C. VCF-style: chr5-112839435-T-C. GRCh37 (hg19) VCF-style: chr5-112175132-T-C.
Other names: c.3895T>C, p.Ser1299Pro (NM_001407448.1, NM_001407449.1, NM_001354896.2 and 1 more transcripts); c.3841T>C, p.Ser1281Pro (NM_001407450.1, NM_001127510.3, NM_001354895.2); c.3820T>C, p.Ser1274Pro (NM_001407451.1); c.3811T>C, p.Ser1271Pro (NM_001407452.1); c.3664T>C, p.Ser1222Pro (NM_001407453.1, NM_001354901.2); c.3592T>C, p.Ser1198Pro (NM_001407454.1, NM_001407455.1, NM_001407456.1 and 1 more transcripts); c.3538T>C, p.Ser1180Pro (NM_001407458.1, NM_001407459.1, NM_001407460.1 and 1 more transcripts); c.3454T>C, p.Ser1152Pro (NM_001407467.1, NM_001407469.1); and 11 more; short protein forms S1152P, S1240P, S1253P, S1271P, S1281P, S1299P, S1309P, S1180P.
Identifiers: ClinVar variation 5025590 (VCV005025590.2).
Genomic context (GRCh38, chr5:112,839,435, plus strand): 5'-ACTTATTGTGTAGAAGATACTCCAATATGTTTTTCAAGATGTAGTTCATTATCATCTTTG[T>C]CATCAGCTGAAGATGAAATAGGATGTAATCAGACGACACAGGAAGCAGATTCTGCTAATA-3'
Protein context (NP_000029.2, residues 1271-1291): FSRCSSLSSL[Ser1281Pro]SAEDEIGCNQ

ClinVar aggregate classification (germline): Uncertain significance. Review status: criteria provided, multiple submitters, no conflicts (2 of 4 stars). 2 submissions from 2 submitters: Uncertain significance (2). Last evaluated 2026-08-01.

Conditions:
Hereditary cancer-predisposing syndrome. Also called: Neoplastic Syndromes, Hereditary; Hereditary Cancer Syndrome; Tumor predisposition; Hereditary neoplastic syndrome. Identifiers: Orphanet 140162, MedGen C0027672, MeSH D009386, MONDO:0015356.

gnomAD v4.1: 1 of 1,614,048 alleles (0.000062%); highest among the groups gnomAD compares: Admixed American, 0.0017%; no homozygotes.

Submissions (2):

CeGaT Center for Human Genetics Tuebingen
Classification: Uncertain significance. Last evaluated: 2026-08-01. Review status: criteria provided, single submitter. Criteria: CeGaT Center For Human Genetics Tuebingen Variant Classification Criteria Version 2. Collection method: clinical testing. Allele origin: germline. Affected: yes. Observed: 1 variant allele.
Comment: APC: PM2

Ambry Genetics
Classification: Uncertain significance for Hereditary cancer-predisposing syndrome. Last evaluated: 2026-07-27. Review status: criteria provided, single submitter. Criteria: Ambry Variant Classification Scheme 2023. Collection method: clinical testing. Allele origin: germline.
Comment: The p.S1281P variant (also known as c.3841T>C), located in coding exon 15 of the APC gene, results from a T to C substitution at nucleotide position 3841. The serine at codon 1281 is replaced by proline, an amino acid with similar properties. This amino acid position is conserved. In addition, in silico predictors for this gene do not accurately predict pathogenicity. Based on the available evidence, the clinical significance of this variant remains unclear.